The following is an entry in ClinVar:

NM_006939.4(SOS2):c.510+3_510+6del

Gene: SOS2 (SOS Ras/Rho guanine nucleotide exchange factor 2; minus strand). Cytogenetic location: 14q21.3.
Variant type: Deletion.
Coding change: c.510+3_510+6del on transcript NM_006939.4 (MANE Select); bases 3 to 6 of the intron after coding-DNA position 510, 4 bases deleted (AAGT; older notation c.510+3_510+6delAAGT).
Molecular consequence: splice donor variant.
Genome position (GRCh38, 1-based): chr14:50,199,685-50,199,688, ACTT deleted on the plus strand (AAGT on the coding strand, the reverse complement: SOS2 is on the minus strand); deleting any 4 consecutive bases within chr14:50,199,685-50,199,690 gives the same sequence; the c. name uses the placement nearest the transcript's 3' end. VCF-style (leftmost placement, unchanged base first): chr14-50199684-CACTT-C. GRCh37 (hg19) VCF-style: chr14-50666402-CACTT-C.
Other names: c.510+3_510+6del (NM_001411020.1).
Identifiers: ClinVar variation 2827479 (VCV002827479.3), dbSNP rs2503185251, ClinGen allele CA2739279079.

ClinVar aggregate classification (germline): Uncertain significance (1 of 4 stars; one submission).

Conditions:
Noonan syndrome 9 (NS9). Identifiers: Orphanet 648, MedGen C4225282, MONDO:0014691, OMIM 616559.

Submission:

Labcorp Genetics (formerly Invitae), Labcorp
Classification: Uncertain significance for Noonan syndrome 9. Last evaluated: 2023-10-03. Review status: criteria provided, single submitter. Criteria: Invitae Variant Classification Sherloc (09022015). Collection method: clinical testing. Allele origin: germline.
Comment: This sequence change falls in intron 4 of the SOS2 gene. It does not directly change the encoded amino acid sequence of the SOS2 protein. It affects a nucleotide within the consensus splice site. This variant is not present in population databases (gnomAD no frequency). This variant has not been reported in the literature in individuals affected with SOS2-related conditions. Variants that disrupt the consensus splice site are a relatively common cause of aberrant splicing (PMID: 17576681, 9536098). Algorithms developed to predict the effect of sequence changes on RNA splicing suggest that this variant may disrupt the consensus splice site. In summary, the available evidence is currently insufficient to determine the role of this variant in disease. Therefore, it has been classified as a Variant of Uncertain Significance.

Literature cited by the submitters: PubMed 17576681; PubMed 9536098.